The following is an entry in ClinVar:

NM_020911.2(PLXNA4):c.2784C>T (p.Gly928=)

Gene: PLXNA4 (plexin A4; minus strand). Cytogenetic location: 7q32.3.
Variant type: single nucleotide variant.
Coding change: c.2784C>T on transcript NM_020911.2 (MANE Select); coding-DNA position 2784, C replaced by T.
Protein change: p.Gly928=; no amino-acid change (glycine 928 retained).
Molecular consequence: synonymous variant.
Genome position (GRCh38, 1-based): chr7:132,194,134, G>A on the plus strand (C>T on the coding strand, the complement: PLXNA4 is on the minus strand). VCF-style: chr7-132194134-G-A. GRCh37 (hg19) VCF-style: chr7-131878893-G-A.
Other names: c.2784C>T, p.Gly928= (NM_001393897.1).
Identifiers: ClinVar variation 3356038 (VCV003356038.1).
Genomic context (GRCh38, chr7:132,194,134, plus strand): 5'-GAGCTGTGAGGACCGGGCCATGAATTCAGGCCGACACACAGCCACGCAGATCTCCACGAA[G>A]CCTGCATGCTGGCTGGGCTTGGCCTCCCCCATCTCACACACGATCCTGCAGGGAGGATAG-3'
Protein context (NP_065962.1, residues 918-938): MGEAKPSQHA[Gly928=]FVEICVAVCR

ClinVar aggregate classification (germline): Likely benign (0 of 4 stars; one submission).

Conditions:
PLXNA4-related disorder. Also called: PLXNA4-related condition.

Submission:

PreventionGenetics, part of Exact Sciences
Classification: Likely benign for PLXNA4-related condition. Last evaluated: 2024-04-17. Review status: no assertion criteria provided. Collection method: clinical testing. Allele origin: germline.
Comment: This variant is classified as likely benign based on ACMG/AMP sequence variant interpretation guidelines (Richards et al. 2015 PMID: 25741868, with internal and published modifications).